The following is an entry in ClinVar:

NM_001081.4(CUBN):c.5643A>T (p.Thr1881=)

Gene: CUBN (cubilin; minus strand). Cytogenetic location: 10p13.
Variant type: single nucleotide variant.
Coding change: c.5643A>T on transcript NM_001081.4 (MANE Select); coding-DNA position 5643, A replaced by T.
Protein change: p.Thr1881=; no amino-acid change (threonine 1881 retained).
Molecular consequence: synonymous variant.
Genome position (GRCh38, 1-based): chr10:16,939,053, T>A on the plus strand (A>T on the coding strand, the complement: CUBN is on the minus strand). VCF-style: chr10-16939053-T-A. GRCh37 (hg19) VCF-style: chr10-16981052-T-A.
Identifiers: ClinVar variation 3041970 (VCV003041970.2), dbSNP rs1303740211, ClinGen allele CA468303399.

ClinVar aggregate classification (germline): Likely benign (0 of 4 stars; one submission).

Conditions:
CUBN-related disorder. Also called: CUBN-related condition.

Allele frequency attached by ClinVar (database versions not stated): gnomAD exomes below 0.00001; TOPMed 0.00003; gnomAD 0.00004.
gnomAD v4.1: 8 of 1,612,976 alleles (0.0005%); highest among the groups gnomAD compares: Admixed American, 0.013%; no homozygotes.

Submission:

PreventionGenetics, part of Exact Sciences
Classification: Likely benign for CUBN-related condition. Last evaluated: 2023-12-29. Review status: no assertion criteria provided. Collection method: clinical testing. Allele origin: germline.
Comment: This variant is classified as likely benign based on ACMG/AMP sequence variant interpretation guidelines (Richards et al. 2015 PMID: 25741868, with internal and published modifications).